The following is an entry in ClinVar:

ClinVar aggregate classification (germline): Uncertain significance (1 of 4 stars; one submission).

Conditions:
Inborn genetic diseases. Identifiers: MedGen C0950123, MeSH D030342.

Submission:

Ambry Genetics
Classification: Uncertain significance for Inborn genetic diseases. Last evaluated: 2025-10-10. Review status: criteria provided, single submitter. Criteria: Ambry Variant Classification Scheme 2023. Collection method: clinical testing. Allele origin: germline.
Comment: The p.L209R variant (also known as c.626T>G), located in coding exon 4 of the ERCC6L2 gene, results from a T to G substitution at nucleotide position 626. The leucine at codon 209 is replaced by arginine, an amino acid with dissimilar properties. This amino acid position is conserved. In addition, this alteration is predicted to be deleterious by in silico analysis. Based on the available evidence, the clinical significance of this variant remains unclear.

NM_020207.7(ERCC6L2):c.626T>G (p.Leu209Arg)

Gene: ERCC6L2 (ERCC excision repair 6 like 2; plus strand). Cytogenetic location: 9q22.32.
Variant type: single nucleotide variant.
Coding change: c.626T>G on transcript NM_020207.7 (MANE Select); coding-DNA position 626, T replaced by G.
Protein change: p.Leu209Arg; replaces leucine 209 with arginine.
Molecular consequence: missense variant. On other transcripts: non-coding transcript variant (1).
Genome position (GRCh38, 1-based): chr9:95,907,109, T>G. VCF-style: chr9-95907109-T-G. GRCh37 (hg19) VCF-style: chr9-98669391-T-G.
Other names: c.626T>G, p.Leu209Arg (NM_001010895.4, NM_001375291.1, NM_001375292.1 and 2 more transcripts); short protein forms L209R.
Identifiers: ClinVar variation 4618721 (VCV004618721.1).